The following is an entry in ClinVar:

ClinVar aggregate classification (germline): Uncertain significance (1 of 4 stars; one submission).

Submission:

Labcorp Genetics (formerly Invitae), Labcorp
Classification: Uncertain significance. Last evaluated: 2022-02-09. Review status: criteria provided, single submitter. Criteria: Invitae Variant Classification Sherloc (09022015). Collection method: clinical testing. Allele origin: germline.
Comment: In summary, the available evidence is currently insufficient to determine the role of this variant in disease. Therefore, it has been classified as a Variant of Uncertain Significance. Algorithms developed to predict the effect of missense changes on protein structure and function (SIFT, PolyPhen-2, Align-GVGD) all suggest that this variant is likely to be tolerated. This variant has not been reported in the literature in individuals affected with ERBIN-related conditions. This variant is not present in population databases (gnomAD no frequency). This sequence change replaces serine, which is neutral and polar, with phenylalanine, which is neutral and non-polar, at codon 826 of the ERBIN protein (p.Ser826Phe).

NM_001253697.2(ERBIN):c.2477C>T (p.Ser826Phe)

Gene: ERBIN (erbb2 interacting protein; plus strand). Cytogenetic location: 5q12.3.
Variant type: single nucleotide variant.
Coding change: c.2477C>T on transcript NM_001253697.2 (MANE Select); coding-DNA position 2477, C replaced by T.
Protein change: p.Ser826Phe; replaces serine 826 with phenylalanine.
Molecular consequence: missense variant.
Genome position (GRCh38, 1-based): chr5:66,053,795, C>T. VCF-style: chr5-66053795-C-T. GRCh37 (hg19) VCF-style: chr5-65349623-C-T.
Other names: c.2477C>T, p.Ser826Phe (NM_001006600.3, NM_001253698.2, NM_001253699.2 and 1 more transcripts); c.2465C>T, p.Ser822Phe (NM_001253701.2); short protein forms S822F, S826F.
Identifiers: ClinVar variation 1365419 (VCV001365419.6), dbSNP rs2151238037, ClinGen allele CA359866958.